The following is an entry in ClinVar:

ClinVar aggregate classification (germline): Benign/Likely benign. Review status: criteria provided, multiple submitters, no conflicts (2 of 4 stars). 3 submissions from 3 submitters: Benign (1); Likely benign (2). Last evaluated 2025-01-09.

Conditions:
Hereditary cancer-predisposing syndrome. Also called: Hereditary neoplastic syndrome; Hereditary Cancer Syndrome; Neoplastic Syndromes, Hereditary; Tumor predisposition. Identifiers: Orphanet 140162, MedGen C0027672, MeSH D009386, MONDO:0015356.
Lynch syndrome 5 (LYNCH5). Also called: Hereditary non-polyposis colorectal cancer, type 5; Colorectal cancer, hereditary nonpolyposis, type 5. Identifiers: Orphanet 144, MedGen C1833477, MONDO:0013710, OMIM 614350. Disease mechanism: loss of function.
Hereditary nonpolyposis colorectal neoplasms. Identifiers: MedGen C0009405, MeSH D003123.

Submissions (3):

Myriad Genetics, Inc.
Classification: Benign for Lynch syndrome 5. Last evaluated: 2025-01-09. Review status: criteria provided, single submitter. Criteria: Myriad Autosomal Dominant, Autosomal Recessive and X-Linked Classification Criteria (2023). Collection method: clinical testing. Allele origin: unknown.
Comment: This variant is considered benign. This variant is a silent/synonymous amino acid change and it is not expected to impact splicing.

Ambry Genetics
Classification: Likely benign for Hereditary cancer-predisposing syndrome. Last evaluated: 2022-02-23. Review status: criteria provided, single submitter. Criteria: Ambry Variant Classification Scheme 2023. Collection method: clinical testing. Allele origin: germline.

Labcorp Genetics (formerly Invitae), Labcorp
Classification: Likely benign for Hereditary nonpolyposis colorectal neoplasms. Last evaluated: 2019-08-02. Review status: criteria provided, single submitter. Criteria: Invitae Variant Classification Sherloc (09022015). Collection method: clinical testing. Allele origin: germline.

NM_000179.3(MSH6):c.4053T>C (p.His1351=)

Gene: MSH6 (mutS homolog 6; plus strand). Cytogenetic location: 2p16.3.
Variant type: single nucleotide variant.
Coding change: c.4053T>C on transcript NM_000179.3 (MANE Select); coding-DNA position 4053, T replaced by C.
Protein change: p.His1351=; no amino-acid change (histidine 1351 retained).
Molecular consequence: synonymous variant.
Genome position (GRCh38, 1-based): chr2:47,806,830, T>C. VCF-style: chr2-47806830-T-C. GRCh37 (hg19) VCF-style: chr2-48033969-T-C.
Other names: c.3663T>C, p.His1221= (NM_001281492.2); c.3147T>C, p.His1049= (NM_001281493.2, NM_001281494.2).
Identifiers: ClinVar variation 1117189 (VCV001117189.12), dbSNP rs2104583508, ClinGen allele CA426122284.